The following is an entry in ClinVar:

ClinVar aggregate classification (germline): Likely pathogenic (1 of 4 stars; one submission).

Conditions:
Asphyxiating thoracic dystrophy 5 (SRTD5). Also called: SHORT-RIB THORACIC DYSPLASIA 5 WITH OR WITHOUT POLYDACTYLY; SHORT-RIB THORACIC DYSPLASIA 5 WITHOUT POLYDACTYLY. Identifiers: Orphanet 474, MedGen C3280598, MONDO:0013717, OMIM 614376.
Nephronophthisis 13 (NPHP13). Identifiers: Orphanet 655, MedGen C3280612, MONDO:0013718, OMIM 614377.
Cranioectodermal dysplasia 4 (CED4). Identifiers: Orphanet 1515, MedGen C3280616, MONDO:0013719, OMIM 614378.
Spermatogenic failure 72 (SPGF72). Identifiers: MedGen C5676980, MONDO:0030809, OMIM 619867.
Senior-Loken syndrome 8 (SLSN8). Identifiers: Orphanet 3156, MedGen C4225376, MONDO:0014579, OMIM 616307.

Submission:

Juno Genomics, Hangzhou Juno Genomics, Inc
Classification: Likely pathogenic for Spermatogenic failure 72; Cranioectodermal dysplasia 4; Nephronophthisis 13; Senior-Loken syndrome 8; Asphyxiating thoracic dystrophy 5. Review status: criteria provided, single submitter. Criteria: ACMG Guidelines, 2015. Collection method: clinical testing. Allele origin: germline. Affected: yes.
Comment: Multiple lines of computational evidence support a deleterious effect on the gene or gene product (conservation, evolutionary, splicing impact, etc).;Absent from controls (or at extremely low frequency if recessive) in Genome Aggregation Database, Exome Sequencing Project, 1000 Genomes Project, or Exome Aggregation Consortium.;Novel missense change at an amino acid residue where a different missense change determined to be pathogenic has been seen before.

NM_025132.4(WDR19):c.1484G>A (p.Gly495Asp)

Gene: WDR19 (WD repeat domain 19; plus strand). Cytogenetic location: 4p14.
Variant type: single nucleotide variant.
Coding change: c.1484G>A on transcript NM_025132.4 (MANE Select); coding-DNA position 1484, G replaced by A.
Protein change: p.Gly495Asp; replaces glycine 495 with aspartic acid.
Molecular consequence: missense variant.
Genome position (GRCh38, 1-based): chr4:39,224,888, G>A. VCF-style: chr4-39224888-G-A. GRCh37 (hg19) VCF-style: chr4-39226508-G-A.
Other names: c.1004G>A, p.Gly335Asp (NM_001317924.2); short protein forms G335D, G495D.
Identifiers: ClinVar variation 3382625 (VCV003382625.2).